The following is an entry in ClinVar:

ClinVar aggregate classification (germline): Likely pathogenic (1 of 4 stars; one submission).

Submission:

Labcorp Genetics (formerly Invitae), Labcorp
Classification: Likely pathogenic. Last evaluated: 2025-12-17. Review status: criteria provided, single submitter. Criteria: Invitae Variant Classification Sherloc (09022015). Collection method: clinical testing. Allele origin: germline.
Comment: This sequence change affects a donor splice site in intron 66 of the FRAS1 gene. It is expected to disrupt RNA splicing. Variants that disrupt the donor or acceptor splice site typically lead to a loss of protein function (PMID: 16199547), and loss-of-function variants in FRAS1 are known to be pathogenic (PMID: 12766769, 18671281). This variant is not present in population databases (gnomAD no frequency). This variant has not been reported in the literature in individuals affected with FRAS1-related conditions. Algorithms developed to predict the effect of sequence changes on RNA splicing suggest that this variant may disrupt the consensus splice site. In summary, the currently available evidence indicates that the variant is pathogenic, but additional data are needed to prove that conclusively. Therefore, this variant has been classified as Likely Pathogenic.

Literature cited by the submitters: PubMed 16199547; PubMed 12766769; PubMed 18671281.

NM_025074.7(FRAS1):c.10389+2T>G

Gene: FRAS1 (Fraser extracellular matrix complex subunit 1; plus strand). Cytogenetic location: 4q21.21.
Variant type: single nucleotide variant.
Coding change: c.10389+2T>G on transcript NM_025074.7 (MANE Select); the canonical splice donor site of the intron after coding-DNA position 10389, T replaced by G.
Molecular consequence: splice donor variant.
Genome position (GRCh38, 1-based): chr4:78,516,015, T>G. VCF-style: chr4-78516015-T-G. GRCh37 (hg19) VCF-style: chr4-79437169-T-G.
Identifiers: ClinVar variation 4733521 (VCV004733521.1).